The following is an entry in ClinVar:

NM_018026.4(PACS1):c.1233C>T (p.Ser411=)

Gene: PACS1 (phosphofurin acidic cluster sorting protein 1; plus strand). Cytogenetic location: 11q13.2.
Variant type: single nucleotide variant.
Coding change: c.1233C>T on transcript NM_018026.4 (MANE Select); coding-DNA position 1233, C replaced by T.
Protein change: p.Ser411=; no amino-acid change (serine 411 retained).
Molecular consequence: synonymous variant.
Genome position (GRCh38, 1-based): chr11:66,221,187, C>T. VCF-style: chr11-66221187-C-T. GRCh37 (hg19) VCF-style: chr11-65988658-C-T.
Identifiers: ClinVar variation 1287258 (VCV001287258.10), dbSNP rs201671985, ClinGen allele CA6116510.
Genomic context (GRCh38, chr11:66,221,187, plus strand): 5'-TGACCCTGGCTGTGCTCTTCACCACAGGCCTTTCTTTGAGGGGATGTCGCAGTCCAGCTC[C>T]CAGACGGAGATTGGCAGCCTCAACAGCAAAGGCAGCCTCGGAAAAGACACCACCAGCCCT-3'
Protein context (NP_060496.2, residues 401-421): PFFEGMSQSS[Ser411=]QTEIGSLNSK

ClinVar aggregate classification (germline): Benign/Likely benign. Review status: criteria provided, multiple submitters, no conflicts (2 of 4 stars). 4 submissions from 4 submitters: Benign (2); Likely benign (2). Last evaluated 2025-10-02.

Conditions:
Schuurs-Hoeijmakers syndrome. Also called: PACS1-Related Neurodevelopmental Disorder. Identifiers: Orphanet 329224, MedGen C3554343, MONDO:0014006, OMIM 615009.
PACS1-related disorder. Also called: PACS1-related condition.

Allele frequency attached by ClinVar (database versions not stated): gnomAD exomes 0.00022 and 0.00012; ExAC 0.00030; gnomAD 0.00006 and 0.00010; ESP Exome Variant Server 0.00008; TOPMed 0.00011; 1000 Genomes Project 30x 0.00016; 1000 Genomes Project 0.00020.
gnomAD v4.1: 195 of 1,614,214 alleles (0.012%); highest among the groups gnomAD compares: East Asian, 0.2%; no homozygotes.

Submissions (4):

Labcorp Genetics (formerly Invitae), Labcorp
Classification: Benign for Schuurs-Hoeijmakers syndrome. Last evaluated: 2025-10-02. Review status: criteria provided, single submitter. Criteria: Invitae Variant Classification Sherloc (09022015). Collection method: clinical testing. Allele origin: germline.

PreventionGenetics, part of Exact Sciences
Classification: Likely benign for PACS1-related condition. Last evaluated: 2025-02-15. Review status: criteria provided, single submitter. Criteria: ACMG Guidelines, 2015. Collection method: clinical testing. Allele origin: germline.
Comment: This variant is classified as likely benign based on ACMG/AMP sequence variant interpretation guidelines (Richards et al. 2015 PMID: 25741868, with internal and published modifications).

GeneDx
Classification: Benign. Last evaluated: 2020-03-24. Review status: criteria provided, single submitter. Criteria: GeneDx Variant Classification Process June 2021. Collection method: clinical testing. Allele origin: germline. Affected: yes.

Genetic Services Laboratory, University of Chicago
Classification: Likely benign. Last evaluated: 2018-12-14. Review status: criteria provided, single submitter. Criteria: ACMG Guidelines, 2015. Collection method: clinical testing. Allele origin: germline. Affected: no.